The following is an entry in ClinVar:

NM_004006.3(DMD):c.4942T>G (p.Leu1648Val)

Gene: DMD (dystrophin; minus strand). Cytogenetic location: Xp21.1.
Variant type: single nucleotide variant.
Coding change: c.4942T>G on transcript NM_004006.3 (MANE Select); coding-DNA position 4942, T replaced by G.
Protein change: p.Leu1648Val; replaces leucine 1648 with valine.
Molecular consequence: missense variant.
Genome position (GRCh38, 1-based): chrX:32,365,103, A>C on the plus strand (T>G on the coding strand, the complement: DMD is on the minus strand). VCF-style: chrX-32365103-A-C. GRCh37 (hg19) VCF-style: chrX-32383220-A-C.
Other names: c.4918T>G, p.Leu1640Val (NM_000109.4); c.4930T>G, p.Leu1644Val (NM_004009.3); c.4573T>G, p.Leu1525Val (NM_004010.3); c.919T>G, p.Leu307Val (NM_004011.4); c.910T>G, p.Leu304Val (NM_004012.4); short protein forms L1525V, L1648V, L307V, L1640V, L1644V, L304V.
Identifiers: ClinVar variation 913633 (VCV000913633.10), dbSNP rs138472027, ClinGen allele CA10378816.

ClinVar aggregate classification (germline): Conflicting classifications of pathogenicity. Review status: criteria provided, conflicting classifications (1 of 4 stars). 3 submissions from 3 submitters: Uncertain significance (2); Likely benign (1). Last evaluated 2026-01-12.

Conditions:
Cardiovascular phenotype. Identifiers: MedGen CN230736.
Dilated cardiomyopathy 3B (CMD3B). Also called: CMD3B: DMD-Related Dilated Cardiomyopathy; CARDIOMYOPATHY, DILATED, X-LINKED; DMD-Associated Dilated Cardiomyopathy. Identifiers: Orphanet 154, MedGen C3668940, MONDO:0010542, OMIM 302045.
Duchenne muscular dystrophy (DMD). Also called: Duchenne Muscular Dystrophy (DMD); MUSCULAR DYSTROPHY, PSEUDOHYPERTROPHIC PROGRESSIVE, DUCHENNE TYPE. Identifiers: Orphanet 98896, MedGen C0013264, MONDO:0010679, OMIM 310200.

gnomAD v4.1: 8 of 1,208,185 alleles (0.00066%); highest among the groups gnomAD compares: Middle Eastern, 0.023%; no homozygotes.

Submissions (3):

Labcorp Genetics (formerly Invitae), Labcorp
Classification: Likely benign for Duchenne muscular dystrophy. Last evaluated: 2026-01-12. Review status: criteria provided, single submitter. Criteria: Invitae Variant Classification Sherloc (09022015). Collection method: clinical testing. Allele origin: germline.

Ambry Genetics
Classification: Uncertain significance for Cardiovascular phenotype. Last evaluated: 2023-04-18. Review status: criteria provided, single submitter. Criteria: Ambry Variant Classification Scheme 2023. Collection method: clinical testing. Allele origin: germline.
Comment: The p.L1648V variant (also known as c.4942T>G), located in coding exon 35 of the DMD gene, results from a T to G substitution at nucleotide position 4942. The leucine at codon 1648 is replaced by valine, an amino acid with highly similar properties. Based on data from gnomAD, the G allele has an overall frequency of 0.0015% (3/204780) total alleles studied, with 2 hemizygote(s) observed. The highest observed frequency was 0.0068% (1/14800) of East Asian alleles. This amino acid position is highly conserved in available vertebrate species. In addition, this alteration is predicted to be tolerated by in silico analysis. Since supporting evidence is limited at this time, the clinical significance of this alteration remains unclear.

Illumina Laboratory Services, Illumina
Classification: Uncertain significance for Dilated cardiomyopathy 3B. Last evaluated: 2018-01-12. Review status: criteria provided, single submitter. Criteria: ICSL Variant Classification Criteria 13 December 2019. Collection method: clinical testing. Allele origin: germline.